The following is an entry in ClinVar:

NM_001267550.2(TTN):c.43355G>T (p.Arg14452Ile)

Gene: TTN (titin; minus strand). Cytogenetic location: 2q31.2.
Variant type: single nucleotide variant.
Coding change: c.43355G>T on transcript NM_001267550.2 (MANE Select); coding-DNA position 43355, G replaced by T.
Protein change: p.Arg14452Ile; replaces arginine 14452 with isoleucine.
Molecular consequence: missense variant.
Genome position (GRCh38, 1-based): chr2:178,632,651, C>A on the plus strand (G>T on the coding strand, the complement: TTN is on the minus strand). VCF-style: chr2-178632651-C-A. GRCh37 (hg19) VCF-style: chr2-179497378-C-A.
Other names: c.38432G>T, p.Arg12811Ile (NM_001256850.1); c.16160G>T, p.Arg5387Ile (NM_003319.4); c.35651G>T, p.Arg11884Ile (NM_133378.4); c.16535G>T, p.Arg5512Ile (NM_133432.3); c.16736G>T, p.Arg5579Ile (NM_133437.4); short protein forms R14452I, R5387I, R11884I, R5579I, R12811I, R5512I.
Identifiers: ClinVar variation 238777 (VCV000238777.7), dbSNP rs528741819, ClinGen allele CA1995883.

ClinVar aggregate classification (germline): Uncertain significance. Review status: criteria provided, multiple submitters, no conflicts (2 of 4 stars). 3 submissions from 3 submitters: Uncertain significance (3). Last evaluated 2026-05-21.

Conditions:
TTN-related disorder. Also called: TTN-related condition; TTN-related disease; TTN-related disorders.
Autosomal recessive limb-girdle muscular dystrophy type 2J (LGMDR10). Also called: MUSCULAR DYSTROPHY, LIMB-GIRDLE, AUTOSOMAL RECESSIVE 10; Limb-girdle muscular dystrophy, type 2J. Identifiers: Orphanet 140922, MedGen C1837342, MONDO:0012127, OMIM 608807.
Dilated cardiomyopathy 1G (CMD1G). Identifiers: Orphanet 154, MedGen C1858763, MONDO:0011400, OMIM 604145.

Allele frequency attached by ClinVar (database versions not stated): ExAC 0.00001; gnomAD 0.00005; TOPMed 0.00011; 1000 Genomes Project 0.00020; 1000 Genomes Project 30x 0.00031.
gnomAD v4.1: 14 of 1,613,476 alleles (0.00087%); highest among the groups gnomAD compares: Admixed American, 0.018%; no homozygotes.

Submissions (3):

PreventionGenetics, part of Exact Sciences
Classification: Uncertain significance for TTN-related condition. Last evaluated: 2026-05-21. Review status: criteria provided, single submitter. Criteria: ACMG Guidelines, 2015. Collection method: clinical testing. Allele origin: germline.
Comment: The TTN c.43355G>T variant is predicted to result in the amino acid substitution p.Arg14452Ile. This variant has been reported in a cohort study of genetically undiagnosed patients with neuromuscular disorders (Supplementary data, Gonzalez-Quereda et al. 2020. PubMed ID: 32403337). This variant is not reported in a large population database (gnomAD), indicating this variant is rare. At this time, the clinical significance of this variant is uncertain due to the absence of conclusive functional and genetic evidence.

Revvity Omics, Revvity
Classification: Uncertain significance. Last evaluated: 2020-10-13. Review status: criteria provided, single submitter. Criteria: ACMG Guidelines, 2015. Collection method: clinical testing. Allele origin: germline.

Labcorp Genetics (formerly Invitae), Labcorp
Classification: Uncertain significance for Dilated cardiomyopathy 1G; Autosomal recessive limb-girdle muscular dystrophy type 2J. Last evaluated: 2016-03-04. Review status: criteria provided, single submitter. Criteria: Invitae Variant Classification Sherloc (09022015). Collection method: clinical testing. Allele origin: germline.